The following is an entry in ClinVar:

NM_000548.5(TSC2):c.5260-9T>C

Gene: TSC2 (TSC complex subunit 2; plus strand). Cytogenetic location: 16p13.3.
Variant type: single nucleotide variant.
Coding change: c.5260-9T>C on transcript NM_000548.5 (MANE Select); 9 bases into the intron before coding-DNA position 5260, T replaced by C.
Molecular consequence: intron variant.
Genome position (GRCh38, 1-based): chr16:2,088,437, T>C. VCF-style: chr16-2088437-T-C. GRCh37 (hg19) VCF-style: chr16-2138438-T-C.
Other names: c.5191-9T>C (NM_001114382.3); c.5131-9T>C (NM_021055.3); c.5119-9T>C (NM_001370405.1); c.5062-9T>C (NM_001363528.2); c.5128-9T>C (NM_001370404.1); c.5059-9T>C (NM_001077183.3); c.4951-9T>C (NM_001318827.2); c.4528-9T>C (NM_001318831.2); and 2 more.
Identifiers: ClinVar variation 536103 (VCV000536103.14), dbSNP rs775095745, ClinGen allele CA054815.

ClinVar aggregate classification (germline): Benign/Likely benign. Review status: criteria provided, multiple submitters, no conflicts (2 of 4 stars). 4 submissions from 4 submitters: Benign (1); Likely benign (3). Last evaluated 2026-01-28.

Conditions:
Tuberous sclerosis 2 (TSC2). Identifiers: Orphanet 805, MedGen C1860707, MONDO:0013199, OMIM 613254.
Tuberous sclerosis syndrome (TSC). Also called: Tuberous Sclerosis Complex; Tuberous sclerosis. Identifiers: Orphanet 805, MedGen C0041341, MONDO:0001734.

Allele frequency attached by ClinVar (database versions not stated): gnomAD exomes 0.00002; ExAC 0.00004.
gnomAD v4.1: 11 of 1,612,774 alleles (0.00068%); highest among the groups gnomAD compares: Non-Finnish European, 0.00085%; no homozygotes.

Submissions (4):

Labcorp Genetics (formerly Invitae), Labcorp
Classification: Likely benign for Tuberous sclerosis 2. Last evaluated: 2026-01-28. Review status: criteria provided, single submitter. Criteria: Invitae Variant Classification Sherloc (09022015). Collection method: clinical testing. Allele origin: germline.

Myriad Genetics, Inc.
Classification: Benign for Tuberous sclerosis 2. Last evaluated: 2025-06-06. Review status: criteria provided, single submitter. Criteria: Myriad Autosomal Dominant, Autosomal Recessive and X-Linked Classification Criteria (2023). Collection method: clinical testing. Allele origin: unknown.
Comment: This variant is considered benign. This variant is intronic and is not expected to impact mRNA splicing. This variant has been observed at a population frequency that is significantly greater than expected given the associated disease prevalence and penetrance.

All of Us Research Program, National Institutes of Health
Classification: Likely benign for Tuberous sclerosis syndrome. Last evaluated: 2023-12-18. Review status: criteria provided, single submitter. Criteria: ACMG Guidelines, 2015. Collection method: clinical testing. Allele origin: germline. Inheritance: Autosomal dominant inheritance. Observed: 2 variant alleles, 2 heterozygotes.
Comment: This study involves interpretation of variants in research participants for the purpose of population health screening. Participant phenotype was not available at the time of variant classification. Additional details can be found in publication PMID: 35346344, PMCID: PMC8962531

Color Diagnostics, LLC DBA Color Health
Classification: Likely benign for Tuberous sclerosis syndrome. Last evaluated: 2022-11-23. Review status: criteria provided, single submitter. Criteria: ACMG Guidelines, 2015. Collection method: clinical testing. Allele origin: germline.